The following is an entry in ClinVar:

ClinVar aggregate classification (germline): Uncertain significance (1 of 4 stars; one submission).

gnomAD v4.1: 21 of 1,614,054 alleles (0.0013%); highest among the groups gnomAD compares: East Asian, 0.0022%; no homozygotes.

Submission:

Labcorp Genetics (formerly Invitae), Labcorp
Classification: Uncertain significance. Last evaluated: 2024-07-12. Review status: criteria provided, single submitter. Criteria: Invitae Variant Classification Sherloc (09022015). Collection method: clinical testing. Allele origin: germline.
Comment: This sequence change replaces glycine, which is neutral and non-polar, with serine, which is neutral and polar, at codon 132 of the ARHGEF10 protein (p.Gly132Ser). This variant is present in population databases (no rsID available, gnomAD 0.006%). This missense change has been observed in individual(s) with Charcot-Marie-Tooth disease (PMID: 26257172). An algorithm developed to predict the effect of missense changes on protein structure and function (PolyPhen-2) suggests that this variant is likely to be disruptive. In summary, the available evidence is currently insufficient to determine the role of this variant in disease. Therefore, it has been classified as a Variant of Uncertain Significance.

Literature cited by the submitters: PubMed 26257172.

NM_014629.4(ARHGEF10):c.394G>A (p.Gly132Ser)

Gene: ARHGEF10 (Rho guanine nucleotide exchange factor 10; plus strand). Cytogenetic location: 8p23.3.
Variant type: single nucleotide variant.
Coding change: c.394G>A on transcript NM_014629.4 (MANE Select); coding-DNA position 394, G replaced by A.
Protein change: p.Gly132Ser; replaces glycine 132 with serine.
Molecular consequence: missense variant.
Genome position (GRCh38, 1-based): chr8:1,860,097, G>A. VCF-style: chr8-1860097-G-A. GRCh37 (hg19) VCF-style: chr8-1808263-G-A.
Other names: c.394G>A, p.Gly132Ser (NM_001308152.2, NM_001308153.3); short protein forms G156S, G132S.
Identifiers: ClinVar variation 3720797 (VCV003720797.2).